The following is an entry in ClinVar:

NM_014319.5(LEMD3):c.1234C>T (p.Pro412Ser)

Gene: LEMD3 (LEM domain containing 3; plus strand). Cytogenetic location: 12q14.3.
Variant type: single nucleotide variant.
Coding change: c.1234C>T on transcript NM_014319.5 (MANE Select); coding-DNA position 1234, C replaced by T.
Protein change: p.Pro412Ser; replaces proline 412 with serine.
Molecular consequence: missense variant.
Genome position (GRCh38, 1-based): chr12:65,170,830, C>T. VCF-style: chr12-65170830-C-T. GRCh37 (hg19) VCF-style: chr12-65564610-C-T.
Other names: c.1234C>T, p.Pro412Ser (NM_001167614.2); short protein forms P412S.
Identifiers: ClinVar variation 3606437 (VCV003606437.2).

ClinVar aggregate classification (germline): Uncertain significance (1 of 4 stars; one submission).

gnomAD v4.1: 2 of 1,614,222 alleles (0.00012%); highest among the groups gnomAD compares: Admixed American, 0.0017%; no homozygotes.

Submission:

Labcorp Genetics (formerly Invitae), Labcorp
Classification: Uncertain significance. Last evaluated: 2024-05-01. Review status: criteria provided, single submitter. Criteria: Invitae Variant Classification Sherloc (09022015). Collection method: clinical testing. Allele origin: germline.
Comment: This sequence change replaces proline, which is neutral and non-polar, with serine, which is neutral and polar, at codon 412 of the LEMD3 protein (p.Pro412Ser). This variant is present in population databases (no rsID available, gnomAD 0.0009%). This variant has not been reported in the literature in individuals affected with LEMD3-related conditions. Advanced modeling of protein sequence and biophysical properties (such as structural, functional, and spatial information, amino acid conservation, physicochemical variation, residue mobility, and thermodynamic stability) performed at Invitae indicates that this missense variant is not expected to disrupt LEMD3 protein function with a negative predictive value of 80%. In summary, the available evidence is currently insufficient to determine the role of this variant in disease. Therefore, it has been classified as a Variant of Uncertain Significance.